The following is an entry in ClinVar:

NM_001163435.3(TBCK):c.1181A>C (p.Asp394Ala)

Gene: TBCK (TBC1 domain containing kinase; minus strand). Cytogenetic location: 4q24.
Variant type: single nucleotide variant.
Coding change: c.1181A>C on transcript NM_001163435.3 (MANE Select); coding-DNA position 1181, A replaced by C.
Protein change: p.Asp394Ala; replaces aspartic acid 394 with alanine.
Molecular consequence: missense variant.
Genome position (GRCh38, 1-based): chr4:106,236,798, T>G on the plus strand (A>C on the coding strand, the complement: TBCK is on the minus strand). VCF-style: chr4-106236798-T-G. GRCh37 (hg19) VCF-style: chr4-107157955-T-G.
Other names: c.1181A>C, p.Asp394Ala (NM_001163436.4); c.1064A>C, p.Asp355Ala (NM_001163437.3); c.665A>C, p.Asp222Ala (NM_001290768.2); c.992A>C, p.Asp331Ala (NM_033115.5); short protein forms D331A, D355A, D222A, D394A.
Identifiers: ClinVar variation 2104939 (VCV002104939.4), dbSNP rs2477894800, ClinGen allele CA357823498.
Genomic context (GRCh38, chr4:106,236,798, plus strand): 5'-AATGAGACTACATATACTCACTCATCTTCAAGTAATGGGTAAAATGCTTCTCCACCAACA[T>G]CTTTCAATCTCTGTGTATTTAAAGACAAAATATTTATGTATAAACATATTGGGCAGAAAC-3'
Protein context (NP_001156907.2, residues 384-404): SLCQLRNRLK[Asp394Ala]VGGEAFYPLL

ClinVar aggregate classification (germline): Uncertain significance (1 of 4 stars; one submission).

Submission:

Labcorp Genetics (formerly Invitae), Labcorp
Classification: Uncertain significance. Last evaluated: 2022-03-01. Review status: criteria provided, single submitter. Criteria: Invitae Variant Classification Sherloc (09022015). Collection method: clinical testing. Allele origin: germline.
Comment: In summary, the available evidence is currently insufficient to determine the role of this variant in disease. Therefore, it has been classified as a Variant of Uncertain Significance. Algorithms developed to predict the effect of missense changes on protein structure and function (SIFT, PolyPhen-2, Align-GVGD) all suggest that this variant is likely to be tolerated. This variant has not been reported in the literature in individuals affected with TBCK-related conditions. This variant is not present in population databases (gnomAD no frequency). This sequence change replaces aspartic acid, which is acidic and polar, with alanine, which is neutral and non-polar, at codon 394 of the TBCK protein (p.Asp394Ala).